The following is an entry in ClinVar:

ClinVar aggregate classification (germline): Pathogenic (1 of 4 stars; one submission).

Conditions:
Neurodevelopmental disorder with poor or absent speech, dysmorphic facies, and behavioral abnormalities. Also called: UMAIR-ALFADHEL NEURODEVELOPMENTAL DISORDER. Identifiers: MedGen C6012716, MONDO:0976285, OMIM 621182.

Submission:

Institute of Human Genetics, University of Leipzig Medical Center
Classification: Pathogenic for Neurodevelopmental disorder with poor or absent speech, dysmorphic facies, and behavioral abnormalities. Last evaluated: 2026-03-24. Review status: criteria provided, single submitter. Criteria: ACMG Guidelines, 2015. Collection method: clinical testing. Allele origin: unknown. Inheritance: Autosomal dominant inheritance. Affected: yes.
Comment: Criteria applied: PVS1,PM2

NM_001024383.2(NAV3):c.2906del (p.Pro969fs)

Gene: NAV3 (neuron navigator 3; plus strand). Cytogenetic location: 12q21.2.
Variant type: Deletion.
Coding change: c.2906del on transcript NM_001024383.2 (MANE Select); coding-DNA position 2906, one base deleted (C; older notation c.2906delC).
Protein change: p.Pro969fs; shifts the reading frame from proline 969.
Molecular consequence: frameshift variant.
Genome position (GRCh38, 1-based): chr12:78,118,163, C deleted; the last of 2 consecutive C bases (chr12:78,118,162-78,118,163); deleting either gives the same sequence. VCF-style (leftmost placement, unchanged base first): chr12-78118161-TC-T. GRCh37 (hg19) VCF-style: chr12-78511941-TC-T.
Other names: c.1406del, p.Pro469fs (NM_001438019.1); c.2906del, p.Pro969fs (NM_014903.6); short protein forms P469fs, P969fs.
Identifiers: ClinVar variation 4845377 (VCV004845377.1).